The following is an entry in ClinVar:

ClinVar aggregate classification (germline): Uncertain significance (1 of 4 stars; one submission).

Conditions:
Hereditary cancer-predisposing syndrome. Also called: Tumor predisposition; Hereditary Cancer Syndrome; Neoplastic Syndromes, Hereditary; Hereditary neoplastic syndrome. Identifiers: Orphanet 140162, MedGen C0027672, MeSH D009386, MONDO:0015356.

Submission:

Ambry Genetics
Classification: Uncertain significance for Hereditary cancer-predisposing syndrome. Last evaluated: 2021-02-02. Review status: criteria provided, single submitter. Criteria: Ambry Variant Classification Scheme 2023. Collection method: clinical testing. Allele origin: germline.
Comment: The p.L94V variant (also known as c.280T>G), located in coding exon 3 of the FANCC gene, results from a T to G substitution at nucleotide position 280. The leucine at codon 94 is replaced by valine, an amino acid with highly similar properties. This amino acid position is highly conserved in available vertebrate species. In addition, the in silico prediction for this alteration is inconclusive. Since supporting evidence is limited at this time, the clinical significance of this alteration remains unclear.

NM_000136.3(FANCC):c.280T>G (p.Leu94Val)

Gene: FANCC (FA complementation group C; minus strand). Cytogenetic location: 9q22.32.
Variant type: single nucleotide variant.
Coding change: c.280T>G on transcript NM_000136.3 (MANE Select); coding-DNA position 280, T replaced by G.
Protein change: p.Leu94Val; replaces leucine 94 with valine.
Molecular consequence: missense variant.
Genome position (GRCh38, 1-based): chr9:95,240,714, A>C on the plus strand (T>G on the coding strand, the complement: FANCC is on the minus strand). VCF-style: chr9-95240714-A-C. GRCh37 (hg19) VCF-style: chr9-98002996-A-C.
Other names: c.280T>G, p.Leu94Val (NM_001243743.2, NM_001243744.2); short protein forms L94V.
Identifiers: ClinVar variation 1796323 (VCV001796323.2), dbSNP rs2542756297, ClinGen allele CA374339414.